The following is an entry in ClinVar:

NM_005245.4(FAT1):c.6787G>A (p.Ala2263Thr)

Gene: FAT1 (FAT atypical cadherin 1; minus strand). Cytogenetic location: 4q35.2.
Variant type: single nucleotide variant.
Coding change: c.6787G>A on transcript NM_005245.4 (MANE Select); coding-DNA position 6787, G replaced by A.
Protein change: p.Ala2263Thr; replaces alanine 2263 with threonine.
Molecular consequence: missense variant.
Genome position (GRCh38, 1-based): chr4:186,619,799, C>T on the plus strand (G>A on the coding strand, the complement: FAT1 is on the minus strand). VCF-style: chr4-186619799-C-T. GRCh37 (hg19) VCF-style: chr4-187540953-C-T.
Other names: short protein forms A2263T.
Identifiers: ClinVar variation 2993634 (VCV002993634.3), dbSNP rs750839835, ClinGen allele CA3166181.

ClinVar aggregate classification (germline): Uncertain significance (1 of 4 stars; one submission).

Allele frequency attached by ClinVar (database versions not stated): gnomAD exomes below 0.00001; ExAC 0.00001.
gnomAD v4.1: 4 of 1,613,984 alleles (0.00025%); highest among the groups gnomAD compares: East Asian, 0.0045%; no homozygotes.

Submission:

Labcorp Genetics (formerly Invitae), Labcorp
Classification: Uncertain significance. Last evaluated: 2023-01-02. Review status: criteria provided, single submitter. Criteria: Invitae Variant Classification Sherloc (09022015). Collection method: clinical testing. Allele origin: germline.
Comment: In summary, the available evidence is currently insufficient to determine the role of this variant in disease. Therefore, it has been classified as a Variant of Uncertain Significance. Algorithms developed to predict the effect of missense changes on protein structure and function are either unavailable or do not agree on the potential impact of this missense change (SIFT: "Deleterious"; PolyPhen-2: "Possibly Damaging"; Align-GVGD: "Class C0"). This variant has not been reported in the literature in individuals affected with FAT1-related conditions. This variant is present in population databases (rs750839835, gnomAD 0.0009%). This sequence change replaces alanine, which is neutral and non-polar, with threonine, which is neutral and polar, at codon 2263 of the FAT1 protein (p.Ala2263Thr).